The following is an entry in ClinVar:

NM_001330260.2(SCN8A):c.4378A>G (p.Ile1460Val)

Gene: SCN8A (sodium voltage-gated channel alpha subunit 8; plus strand). Cytogenetic location: 12q13.13.
Variant type: single nucleotide variant.
Coding change: c.4378A>G on transcript NM_001330260.2 (MANE Select); coding-DNA position 4378, A replaced by G.
Protein change: p.Ile1460Val; replaces isoleucine 1460 with valine.
Molecular consequence: missense variant.
Genome position (GRCh38, 1-based): chr12:51,789,377, A>G. VCF-style: chr12-51789377-A-G. GRCh37 (hg19) VCF-style: chr12-52183161-A-G.
Other names: c.4255A>G, p.Ile1419Val (NM_001177984.3, NM_001369788.1); c.4378A>G (NM_014191.3); c.4378A>G, p.Ile1460Val (NM_014191.4); short protein forms I1419V, I1460V.
Identifiers: ClinVar variation 1206323 (VCV001206323.4), dbSNP rs2138909633, ClinGen allele CA384908526.

ClinVar aggregate classification (germline): Uncertain significance. Review status: criteria provided, single submitter (1 of 4 stars). 3 submissions from 3 submitters: Uncertain significance (1). 2 of the submissions do not count toward it. Last evaluated 2026-02-12.

Submissions (3):

GeneDx
Classification: Uncertain significance. Last evaluated: 2026-02-12. Review status: criteria provided, single submitter. Criteria: GeneDx Variant Classification Process June 2021. Collection method: clinical testing. Allele origin: germline.
Comment: Reported previously as a de novo variant in a patient with generalized seizures; however, no segregation information was provided (PMID: 35230384); Not observed at significant frequency in large population cohorts (gnomAD); In silico analysis suggests that this missense variant does not alter protein structure/function; This substitution is predicted to be within the transmembrane segment S6 of the third homologous domain; This variant is associated with the following publications: (PMID: 35230384)

Joint Genome Diagnostic Labs from Nijmegen and Maastricht, Radboudumc and MUMC+
Classification: Likely pathogenic. Review status: no assertion criteria provided. Collection method: clinical testing. Allele origin: germline. Affected: yes. Study: VKGL Data-share Consensus. Not counted in ClinVar's aggregate classification.

Laboratory of Diagnostic Genome Analysis, Leiden University Medical Center (LUMC)
Classification: Likely pathogenic. Review status: no assertion criteria provided. Collection method: clinical testing. Allele origin: germline. Affected: yes. Study: VKGL Data-share Consensus. Not counted in ClinVar's aggregate classification.